The following is an entry in ClinVar:

ClinVar aggregate classification (germline): Pathogenic/Likely pathogenic. Review status: criteria provided, multiple submitters, no conflicts (2 of 4 stars). 7 submissions from 7 submitters: Pathogenic (2); Likely pathogenic (4). 1 of the submissions does not count toward it. Last evaluated 2025-12-05.

Conditions:
MMP21-related disorder. Also called: MMP21-related condition.
Heterotaxy, visceral, 7, autosomal (HTX7). Identifiers: Orphanet 450, MedGen C4225217, MONDO:0014762, OMIM 616749.
Visceral heterotaxy. Also called: Heterotaxy syndrome; Heterotaxia. Identifiers: Orphanet 450, MedGen C3178805, MONDO:0018677.

Allele frequency attached by ClinVar (database versions not stated): ExAC 0.00003; 1000 Genomes Project 0.00020; ESP Exome Variant Server 0.00008; gnomAD exomes 0.00011 and 0.00018; gnomAD 0.00026 and 0.00027; 1000 Genomes Project 30x 0.00016; TOPMed 0.00024.
gnomAD v4.1: 302 of 1,614,144 alleles (0.019%); highest among the groups gnomAD compares: Admixed American, 0.067%; no homozygotes.

Submissions (7):

Dasa
Classification: Pathogenic. Last evaluated: 2025-12-05. Review status: criteria provided, single submitter. Criteria: DASA Assertion Criteria. Collection method: clinical testing. Allele origin: germline.
Comment: NM_147191.1(MMP21):c.1203G>A (p.Trp401*) introduces a premature termination codon predicted to result in loss of normal protein function. Loss-of-function is an established mechanism of disease for this gene. This variant has been observed in affected individuals with related phenotype in a genotype context consistent with recessive disease (PMID: 26437028). This variant has been reported in individuals with related phenotype (PMID: 26437028). The variant is present at low frequency in population datasets. Based on the available data, this variant is classified as pathogenic.

GeneDx
Classification: Pathogenic. Last evaluated: 2025-09-02. Review status: criteria provided, single submitter. Criteria: GeneDx Variant Classification Process June 2021. Collection method: clinical testing. Allele origin: germline. Affected: yes.
Comment: Nonsense variant predicted to result in protein truncation or nonsense mediated decay in a gene for which loss of function is a known mechanism of disease; This variant is associated with the following publications: (PMID: 30609409, 31345219, 33240936, 33281875, BOURGON_2024, 26437028)

Laboratorio de Genetica e Diagnostico Molecular, Hospital Israelita Albert Einstein
Classification: Likely pathogenic for Heterotaxy, visceral, 7, autosomal. Last evaluated: 2024-12-03. Review status: criteria provided, single submitter. Criteria: ACMG Guidelines, 2015. Collection method: clinical testing. Allele origin: germline. Affected: yes.
Comment: ACMG classification criteria: PVS1 very strong, PM3 moderate

Blueprint Genetics
Classification: Likely pathogenic for MMP21-related disorders. Last evaluated: 2021-04-12. Review status: criteria provided, single submitter. Criteria: ACMG Guidelines, 2015. Collection method: clinical testing. Allele origin: germline. Affected: yes. Observed: 5 variant alleles.

Eurofins Ntd Llc (ga)
Classification: Likely pathogenic. Last evaluated: 2018-07-10. Review status: criteria provided, single submitter. Criteria: EGL ClinVar v180209 classification definitions. Collection method: clinical testing. Allele origin: germline. Observed: 2 variant alleles, 2 heterozygotes.

Laboratory for Molecular Medicine, Mass General Brigham Personalized Medicine
Classification: Likely pathogenic for Visceral heterotaxy. Last evaluated: 2018-01-24. Review status: criteria provided, single submitter. Criteria: LMM Criteria. Collection method: clinical testing. Allele origin: germline. Inheritance: Autosomal recessive inheritance. Observed: 1 variant allele.
Comment: The p.Trp401X (NM_147191.1 c.1203G>A) variant in MMP21 has been previously repor ted in compound heterozygous dizygotic twins with heterotaxy (Guimier 2015). It has also been reported in ClinVar (Variation ID#289001). This variant has been i dentified in 0.035% (12/34418) of Latino chromosomes by the Genome Aggregation D atabase (rs137955225). Although this variant h as been seen in the general population, its frequency is low enough to be consis tent with a recessive carrier frequency. This nonsense variant leads to a premat ure termination codon at position 401, which is predicted to lead to a truncated or absent protein. Biallelic loss of function of the MMP21 gene has been associ ated with heterotaxy. In summary, although additional studies are required to fu lly establish its clinical significance, the p.Trp401X variant is likely pathoge nic for heterotaxy in an autosomal recessive manner based on its occurrence in a ffected individuals and predicted impact on the protein.

OMIM
Classification: Pathogenic for HETEROTAXY, VISCERAL, 7, AUTOSOMAL. Last evaluated: 2024-05-06. Review status: no assertion criteria provided. Collection method: literature only. Allele origin: germline. Not counted in ClinVar's aggregate classification.

Literature cited by the submitters: PubMed 26437028 (cited by 3 submitters).

NM_147191.1(MMP21):c.1203G>A (p.Trp401Ter)

Gene: MMP21 (matrix metallopeptidase 21; minus strand). Cytogenetic location: 10q26.2.
Variant type: single nucleotide variant.
Coding change: c.1203G>A on transcript NM_147191.1 (MANE Select); coding-DNA position 1203, G replaced by A.
Protein change: p.Trp401Ter; replaces tryptophan 401 with a stop codon.
Molecular consequence: nonsense.
Genome position (GRCh38, 1-based): chr10:125,770,368, C>T on the plus strand (G>A on the coding strand, the complement: MMP21 is on the minus strand). VCF-style: chr10-125770368-C-T. GRCh37 (hg19) VCF-style: chr10-127458937-C-T.
Other names: MMP21, TRP401TER (rs137955225); short protein forms W401*.
Identifiers: ClinVar variation 289001 (VCV000289001.15), dbSNP rs137955225, ClinGen allele CA5737982.